The following is an entry in ClinVar:

ClinVar aggregate classification (germline): Uncertain significance (1 of 4 stars; one submission).

Allele frequency attached by ClinVar (database versions not stated): gnomAD exomes below 0.00001 and 0.00001; TOPMed below 0.00001; ExAC 0.00002.
gnomAD v4.1: 8 of 1,612,754 alleles (0.0005%); highest among the groups gnomAD compares: Admixed American, 0.0033%; no homozygotes.

Submission:

Labcorp Genetics (formerly Invitae), Labcorp
Classification: Uncertain significance. Last evaluated: 2021-08-18. Review status: criteria provided, single submitter. Criteria: Invitae Variant Classification Sherloc (09022015). Collection method: clinical testing. Allele origin: germline.
Comment: In summary, the available evidence is currently insufficient to determine the role of this variant in disease. Therefore, it has been classified as a Variant of Uncertain Significance. Algorithms developed to predict the effect of missense changes on protein structure and function are either unavailable or do not agree on the potential impact of this missense change (SIFT: "Deleterious"; PolyPhen-2: "Possibly Damaging"; Align-GVGD: "Class C15"). This missense change has been observed in individual(s) with retinitis pigmentosa (Invitae). This variant is present in population databases (rs767694605, ExAC 0.02%). This sequence change replaces glutamic acid with lysine at codon 1137 of the MPDZ protein (p.Glu1137Lys). The glutamic acid residue is highly conserved and there is a small physicochemical difference between glutamic acid and lysine.

NM_001378778.1(MPDZ):c.3409G>A (p.Glu1137Lys)

Gene: MPDZ (multiple PDZ domain crumbs cell polarity complex component; minus strand). Cytogenetic location: 9p23.
Variant type: single nucleotide variant.
Coding change: c.3409G>A on transcript NM_001378778.1 (MANE Select); coding-DNA position 3409, G replaced by A.
Protein change: p.Glu1137Lys; replaces glutamic acid 1137 with lysine.
Molecular consequence: missense variant. On other transcripts: intron variant (1).
Genome position (GRCh38, 1-based): chr9:13,158,061, C>T on the plus strand (G>A on the coding strand, the complement: MPDZ is on the minus strand). VCF-style: chr9-13158061-C-T. GRCh37 (hg19) VCF-style: chr9-13158060-C-T.
Other names: c.3409G>A, p.Glu1137Lys (NM_001261406.2, NM_001261407.2, NM_001330637.2 and 13 more transcripts); c.3255-7373G>A (NM_001375427.1); short protein forms E1137K.
Identifiers: ClinVar variation 1354586 (VCV001354586.6), dbSNP rs767694605, ClinGen allele CA4987124.